The following is an entry in ClinVar:

NM_017617.5(NOTCH1):c.1196C>A (p.Thr399Asn)

Gene: NOTCH1 (notch receptor 1; minus strand). Cytogenetic location: 9q34.3.
Variant type: single nucleotide variant.
Coding change: c.1196C>A on transcript NM_017617.5 (MANE Select); coding-DNA position 1196, C replaced by A.
Protein change: p.Thr399Asn; replaces threonine 399 with asparagine.
Molecular consequence: missense variant.
Genome position (GRCh38, 1-based): chr9:136,518,196, G>T on the plus strand (C>A on the coding strand, the complement: NOTCH1 is on the minus strand). VCF-style: chr9-136518196-G-T. GRCh37 (hg19) VCF-style: chr9-139412648-G-T.
Other names: short protein forms T399N.
Identifiers: ClinVar variation 1746037 (VCV001746037.8), dbSNP rs770851983, ClinGen allele CA5341888.
Genomic context (GRCh38, chr9:136,518,196, plus strand): 5'-CCCAGCGAGCACTCATCCACGTCCTGGCTGCAGGCCGGGCCCGTGTACCCCGAGGGGCAG[G>T]TGCAGATGGCCTTGCCATTGACAGGGTTGGTGTCGCAGTTGGAGCCCTCGTTACAGGGGT-3'
Protein context (NP_060087.3, residues 389-409): TNPVNGKAIC[Thr399Asn]CPSGYTGPAC

ClinVar aggregate classification (germline): Conflicting classifications of pathogenicity. Review status: criteria provided, conflicting classifications (1 of 4 stars). 2 submissions from 2 submitters: Uncertain significance (1); Benign (1). Last evaluated 2025-04-07.

Conditions:
Adams-Oliver syndrome 5 (AOS5). Identifiers: Orphanet 974, MedGen C4014970, MONDO:0014459, OMIM 616028.
Familial thoracic aortic aneurysm and aortic dissection (TAAD). Also called: Thoracic aortic aneurysms and dissections. Identifiers: Orphanet 91387, MedGen C4707243, MONDO:0019625.

gnomAD v4.1: 1 of 1,605,920 alleles (0.000062%); no homozygotes.

Submissions (2):

Ambry Genetics
Classification: Uncertain significance for Familial thoracic aortic aneurysm and aortic dissection. Last evaluated: 2025-04-07. Review status: criteria provided, single submitter. Criteria: Ambry Variant Classification Scheme 2023. Collection method: clinical testing. Allele origin: germline.
Comment: The p.T399N variant (also known as c.1196C>A), located in coding exon 7 of the NOTCH1 gene, results from a C to A substitution at nucleotide position 1196. The threonine at codon 399 is replaced by asparagine, an amino acid with similar properties. This amino acid position is conserved. In addition, the in silico prediction for this alteration is inconclusive. Since supporting evidence is limited at this time, the clinical significance of this alteration remains unclear.

Labcorp Genetics (formerly Invitae), Labcorp
Classification: Benign for Adams-Oliver syndrome 5. Last evaluated: 2024-11-05. Review status: criteria provided, single submitter. Criteria: Invitae Variant Classification Sherloc (09022015). Collection method: clinical testing. Allele origin: germline.